The following is an entry in ClinVar:

ClinVar aggregate classification (germline): Likely pathogenic (1 of 4 stars; one submission).

Submission:

Labcorp Genetics (formerly Invitae), Labcorp
Classification: Likely pathogenic. Last evaluated: 2023-03-21. Review status: criteria provided, single submitter. Criteria: Invitae Variant Classification Sherloc (09022015). Collection method: clinical testing. Allele origin: germline.
Comment: This sequence change affects an acceptor splice site in intron 9 of the LOXHD1 gene. It is expected to disrupt RNA splicing. Variants that disrupt the donor or acceptor splice site typically lead to a loss of protein function (PMID: 16199547), and loss-of-function variants in LOXHD1 are known to be pathogenic (PMID: 19732867, 21465660, 25792669). This variant is not present in population databases (gnomAD no frequency). This variant has not been reported in the literature in individuals affected with LOXHD1-related conditions. Algorithms developed to predict the effect of sequence changes on RNA splicing suggest that this variant may disrupt the consensus splice site. In summary, the currently available evidence indicates that the variant is pathogenic, but additional data are needed to prove that conclusively. Therefore, this variant has been classified as Likely Pathogenic.

Literature cited by the submitters: PubMed 16199547; PubMed 19732867; PubMed 21465660; PubMed 25792669.

NM_001384474.1(LOXHD1):c.1271-1G>T

Gene: LOXHD1 (lipoxygenase homology PLAT domains 1; minus strand). Cytogenetic location: 18q21.1.
Variant type: single nucleotide variant.
Coding change: c.1271-1G>T on transcript NM_001384474.1 (MANE Select); the canonical splice acceptor site of the intron before coding-DNA position 1271, G replaced by T.
Molecular consequence: splice acceptor variant.
Genome position (GRCh38, 1-based): chr18:46,593,761, C>A on the plus strand (G>T on the coding strand, the complement: LOXHD1 is on the minus strand). VCF-style: chr18-46593761-C-A. GRCh37 (hg19) VCF-style: chr18-44173724-C-A.
Other names: c.1271-1G>T (NM_144612.7).
Identifiers: ClinVar variation 2778462 (VCV002778462.3), dbSNP rs2511931672, ClinGen allele CA402380909.